The following is an entry in ClinVar:

ClinVar aggregate classification (germline): Likely pathogenic (1 of 4 stars; one submission).

Conditions:
Neuronopathy, distal hereditary motor, autosomal dominant 11. Also called: NEUROPATHY, DISTAL HEREDITARY MOTOR, 11. Identifiers: MedGen C5882697, MONDO:0957875, OMIM 620528.

Submission:

3billion
Classification: Likely pathogenic for Neuronopathy, distal hereditary motor, autosomal dominant 11. Last evaluated: 2025-11-20. Review status: criteria provided, single submitter. Criteria: ACMG Guidelines, 2015. Collection method: clinical testing. Allele origin: germline. Affected: yes.
Comment: The variant is not observed in the gnomAD v4.1.0 dataset. Predicted Consequence/Location: Frameshift: predicted to result in a loss or disruption of normal protein function through nonsense-mediated decay (NMD) or protein truncation. Multiple pathogenic variants are reported downstream of the variant. Therefore, this variant is classified as Likely pathogenic according to the recommendation of ACMG/AMP guideline.

NM_001130438.3(SPTAN1):c.753_775del (p.Phe252fs)

Gene: SPTAN1 (spectrin alpha, non-erythrocytic 1; plus strand). Cytogenetic location: 9q34.11.
Variant type: Deletion.
Coding change: c.753_775del on transcript NM_001130438.3 (MANE Select); coding-DNA positions 753 to 775, 23 bases deleted (CTTTGGGGCAGCAGAAGTTCAGC).
Protein change: p.Phe252fs; shifts the reading frame from phenylalanine 252.
Molecular consequence: frameshift variant.
Genome position (GRCh38, 1-based): chr9:128,576,924-128,576,946, CTTTGGGGCAGCAGAAGTTCAGC deleted. VCF-style (leftmost placement, unchanged base first): chr9-128576923-TCTTTGGGGCAGCAGAAGTTCAGC-T. GRCh37 (hg19) VCF-style: chr9-131339202-TCTTTGGGGCAGCAGAAGTTCAGC-T.
Other names: c.753_775del, p.Phe252fs (NM_001363765.2, NM_001375310.1, NM_001375311.2 and 10 more transcripts); c.789_811del, p.Phe264fs (NM_001375312.2, NM_001375318.1, NM_001438440.1); short protein forms F252fs, F264fs.
Identifiers: ClinVar variation 4855967 (VCV004855967.1).